The following is an entry in ClinVar:

ClinVar aggregate classification (germline): Pathogenic (1 of 4 stars; one submission).

Conditions:
Rare genetic deafness. Identifiers: Orphanet 96210, MedGen C5680250.

Submission:

Laboratory for Molecular Medicine, Mass General Brigham Personalized Medicine
Classification: Pathogenic for Rare genetic deafness. Last evaluated: 2017-03-31. Review status: criteria provided, single submitter. Criteria: LMM Criteria. Collection method: clinical testing. Allele origin: germline. Inheritance: Autosomal recessive inheritance. Observed: 21 variant alleles.
Comment: The deletion of the OTOA gene has been reported in the homozygous state in 4 Pal estinian siblings with hearing loss; unaffected family members, including parent s and one sibling, were heterozygous for this deletion (Shahin 2010). It was als o reported in 0.5% (3/576) of control chromosomes in this study, suggesting that there may be a high carrier frequency of the variant in the Palestinian populat ion (Shahin 2010). This variant has been reported by our laboratory in 16 indivi duals with hearing loss including 2 homozygotes. Loss of OTOA function is an est ablished mechanism of autosomal recessive hearing loss. In summary, this variant meets criteria to be classified as pathogenic for autosomal recessive hearing l oss based on its predicted impact on the gene, homozygosity in multiple affected individuals, and segregation evidence. The exact breakpoints of this deletion c annot be determined due to limitations of the testing methodology.

Literature cited by the submitters: PubMed 19888295; PubMed 20808228; PubMed 17911159; PubMed 18288195; PubMed 16826518; PubMed 18304495; PubMed 17638019; PubMed 19166990.

NM_144672.3(OTOA):c.(?_1)_(3420_?)del

Genes: OTOA (otoancorin), LOC130058627 (ATAC-STARR-seq lymphoblastoid active region 10560). Cytogenetic location: 16p12.2.
Variant type: Deletion.
Coding change: c.(?_1)_(3420_?)del on transcript NM_144672.3; a large deletion whose breakpoints are not mapped to the base.
Other names: c.(?_1)_(3420_?)del (NM_144672.3).
Identifiers: ClinVar variation 178863 (VCV000178863.5).